The following is an entry in ClinVar:

NM_001267550.2(TTN):c.47430T>C (p.Thr15810=)

Genes: TTN-AS1 (TTN antisense RNA 1; plus strand), TTN (titin; minus strand). Cytogenetic location: 2q31.2.
Variant type: single nucleotide variant.
Coding change: c.47430T>C on transcript NM_001267550.2 (MANE Select); coding-DNA position 47430, T replaced by C.
Protein change: p.Thr15810=; no amino-acid change (threonine 15810 retained).
Molecular consequence: synonymous variant.
Genome position (GRCh38, 1-based): chr2:178,617,921, A>G on the plus strand (T>C on the coding strand, the complement: TTN is on the minus strand). VCF-style: chr2-178617921-A-G. GRCh37 (hg19) VCF-style: chr2-179482648-A-G.
Other names: c.42507T>C, p.Thr14169= (NM_001256850.1); c.20235T>C, p.Thr6745= (NM_003319.4); c.39726T>C, p.Thr13242= (NM_133378.4); c.20610T>C, p.Thr6870= (NM_133432.3); c.20811T>C, p.Thr6937= (NM_133437.4).
Identifiers: ClinVar variation 535379 (VCV000535379.17), dbSNP rs373878153, ClinGen allele CA1995046.
Genomic context (GRCh38, chr2:178,617,921, plus strand): 5'-ACTGTACTCCTGTCCTTCTACCACATCAGTAACAGTTGCAGACAGGTCTTCAGCTCTCAC[A>G]GTCATGGCAGTATCCCACCTGATAGAAGTCTTGTCTCTTAATTCAATGACGTAGTTTGTG-3'
Protein context (NP_001254479.2, residues 15800-15820): KTSIRWDTAM[Thr15810=]VRAEDLSATV

ClinVar aggregate classification (germline): Conflicting classifications of pathogenicity. Review status: criteria provided, conflicting classifications (1 of 4 stars). 4 submissions from 4 submitters: Uncertain significance (1); Likely benign (2). 1 of the submissions does not count toward it. Last evaluated 2025-10-09.

Conditions:
Autosomal recessive limb-girdle muscular dystrophy type 2J (LGMDR10). Also called: Limb-girdle muscular dystrophy, type 2J; MUSCULAR DYSTROPHY, LIMB-GIRDLE, AUTOSOMAL RECESSIVE 10. Identifiers: Orphanet 140922, MedGen C1837342, MONDO:0012127, OMIM 608807.
Dilated cardiomyopathy 1G (CMD1G). Identifiers: Orphanet 154, MedGen C1858763, MONDO:0011400, OMIM 604145.
TTN-related disorder. Also called: TTN-related disorders; TTN-related condition; TTN-related disease.
Cardiovascular phenotype. Identifiers: MedGen CN230736.

Allele frequency attached by ClinVar (database versions not stated): ExAC 0.00001; gnomAD 0.00001; gnomAD exomes 0.00001; TOPMed 0.00002; ESP Exome Variant Server 0.00008.
gnomAD v4.1: 7 of 1,612,562 alleles (0.00043%); highest among the groups gnomAD compares: Admixed American, 0.0017%; no homozygotes.

Submissions (4):

Labcorp Genetics (formerly Invitae), Labcorp
Classification: Likely benign for Dilated cardiomyopathy 1G; Autosomal recessive limb-girdle muscular dystrophy type 2J. Last evaluated: 2025-10-09. Review status: criteria provided, single submitter. Criteria: Invitae Variant Classification Sherloc (09022015). Collection method: clinical testing. Allele origin: germline.

Revvity Omics, Revvity
Classification: Uncertain significance. Last evaluated: 2022-11-07. Review status: criteria provided, single submitter. Criteria: ACMG Guidelines, 2015. Collection method: clinical testing. Allele origin: germline.

Ambry Genetics
Classification: Likely benign for Cardiovascular phenotype. Last evaluated: 2021-12-11. Review status: criteria provided, single submitter. Criteria: Ambry Variant Classification Scheme 2023. Collection method: clinical testing. Allele origin: germline.

PreventionGenetics, part of Exact Sciences
Classification: Likely benign for TTN-related condition. Last evaluated: 2023-06-02. Review status: no assertion criteria provided. Collection method: clinical testing. Allele origin: germline. Not counted in ClinVar's aggregate classification.
Comment: This variant is classified as likely benign based on ACMG/AMP sequence variant interpretation guidelines (Richards et al. 2015 PMID: 25741868, with internal and published modifications).